The following is an entry in ClinVar:

NM_000416.3(IFNGR1):c.584G>T (p.Cys195Phe)

Gene: IFNGR1 (interferon gamma receptor 1; minus strand). Cytogenetic location: 6q23.3.
Variant type: single nucleotide variant.
Coding change: c.584G>T on transcript NM_000416.3 (MANE Select); coding-DNA position 584, G replaced by T.
Protein change: p.Cys195Phe; replaces cysteine 195 with phenylalanine.
Molecular consequence: missense variant.
Genome position (GRCh38, 1-based): chr6:137,203,648, C>A on the plus strand (G>T on the coding strand, the complement: IFNGR1 is on the minus strand). VCF-style: chr6-137203648-C-A. GRCh37 (hg19) VCF-style: chr6-137524785-C-A.
Other names: c.554G>T, p.Cys185Phe (NM_001363526.1); c.461G>T, p.Cys154Phe (NM_001363527.1); short protein forms C154F, C195F, C185F.
Identifiers: ClinVar variation 2712775 (VCV002712775.3), dbSNP rs765663686, ClinGen allele CA4018920.

ClinVar aggregate classification (germline): Uncertain significance (1 of 4 stars; one submission).

Conditions:
Disseminated atypical mycobacterial infection. Identifiers: MedGen C0694566.

Allele frequency attached by ClinVar (database versions not stated): gnomAD exomes below 0.00001; TOPMed below 0.00001; ExAC 0.00001; gnomAD 0.00001.
gnomAD v4.1: 2 of 1,612,398 alleles (0.00012%); highest among the groups gnomAD compares: East Asian, 0.0022%; no homozygotes.

Submission:

Labcorp Genetics (formerly Invitae), Labcorp
Classification: Uncertain significance for Disseminated atypical mycobacterial infection. Last evaluated: 2024-01-22. Review status: criteria provided, single submitter. Criteria: Invitae Variant Classification Sherloc (09022015). Collection method: clinical testing. Allele origin: germline.
Comment: This sequence change replaces cysteine, which is neutral and slightly polar, with phenylalanine, which is neutral and non-polar, at codon 195 of the IFNGR1 protein (p.Cys195Phe). This variant is present in population databases (rs765663686, gnomAD 0.003%). This variant has not been reported in the literature in individuals affected with IFNGR1-related conditions. Advanced modeling of protein sequence and biophysical properties (such as structural, functional, and spatial information, amino acid conservation, physicochemical variation, residue mobility, and thermodynamic stability) performed at Invitae indicates that this missense variant is expected to disrupt IFNGR1 protein function with a positive predictive value of 80%. In summary, the available evidence is currently insufficient to determine the role of this variant in disease. Therefore, it has been classified as a Variant of Uncertain Significance.